The following is an entry in ClinVar:

ClinVar aggregate classification (germline): Uncertain significance (1 of 4 stars; one submission).

Conditions:
Fanconi anemia (FA). Also called: Fanconi's anemia. Identifiers: Orphanet 84, MedGen C0015625, MeSH D005199, MONDO:0019391.

Allele frequency attached by ClinVar (database versions not stated): 1000 Genomes Project 30x 0.00016; gnomAD exomes below 0.00001; gnomAD 0.00001; TOPMed below 0.00001; 1000 Genomes Project 0.00020.
gnomAD v4.1: 4 of 1,614,220 alleles (0.00025%); highest among the groups gnomAD compares: South Asian, 0.0022%; no homozygotes.

Submission:

Labcorp Genetics (formerly Invitae), Labcorp
Classification: Uncertain significance for Fanconi anemia. Last evaluated: 2025-05-06. Review status: criteria provided, single submitter. Criteria: Invitae Variant Classification Sherloc (09022015). Collection method: clinical testing. Allele origin: germline.
Comment: This sequence change replaces serine, which is neutral and polar, with asparagine, which is neutral and polar, at codon 1451 of the FANCD2 protein (p.Ser1451Asn). This variant is not present in population databases (gnomAD no frequency). This variant has not been reported in the literature in individuals affected with FANCD2-related conditions. ClinVar contains an entry for this variant (Variation ID: 852920). An algorithm developed to predict the effect of missense changes on protein structure and function outputs the following: PolyPhen-2: "Not Available". The asparagine amino acid residue is found in multiple mammalian species, which suggests that this missense change does not adversely affect protein function. In summary, the available evidence is currently insufficient to determine the role of this variant in disease. Therefore, it has been classified as a Variant of Uncertain Significance.

NM_001018115.3(FANCD2):c.4281+71G>A

Genes: FANCD2 (FA complementation group D2; plus strand), FANCD2OS (FANCD2 opposite strand; minus strand). Cytogenetic location: 3p25.3.
Variant type: single nucleotide variant.
Coding change: c.4281+71G>A on transcript NM_001018115.3 (MANE Select); 71 bases into the intron after coding-DNA position 4281, G replaced by A.
Molecular consequence: intron variant. On other transcripts: missense variant (2).
Genome position (GRCh38, 1-based): chr3:10,098,886, G>A. VCF-style: chr3-10098886-G-A. GRCh37 (hg19) VCF-style: chr3-10140570-G-A.
Other names: c.4313G>A, p.Ser1438Asn (NM_001374254.1); c.4352G>A, p.Ser1451Asn (NM_033084.6); c.4281+71G>A (NM_001319984.2); c.4170+71G>A (NM_001374253.1); c.*43+5312C>T (NM_173472.2); short protein forms S1438N, S1451N.
Identifiers: ClinVar variation 852920 (VCV000852920.8), dbSNP rs568997706, ClinGen allele CA70039734.